The following is an entry in ClinVar:

ClinVar aggregate classification (germline): Uncertain significance (1 of 4 stars; one submission).

Conditions:
Early-infantile DEE. Also called: Early infantile epileptic encephalopathy; Ohtahara syndrome; Early infantile epileptic encephalopathy with suppression bursts. Identifiers: Orphanet 1934, MedGen C0393706, MONDO:0800491.

gnomAD v4.1: 5 of 1,613,268 alleles (0.00031%); highest among the groups gnomAD compares: Admixed American, 0.0017%; no homozygotes.

Submission:

Labcorp Genetics (formerly Invitae), Labcorp
Classification: Uncertain significance for Early-infantile DEE. Last evaluated: 2025-05-11. Review status: criteria provided, single submitter. Criteria: Invitae Variant Classification Sherloc (09022015). Collection method: clinical testing. Allele origin: germline.
Comment: This sequence change replaces serine, which is neutral and polar, with arginine, which is basic and polar, at codon 684 of the HCN1 protein (p.Ser684Arg). This variant is present in population databases (no rsID available, gnomAD 0.003%). This variant has not been reported in the literature in individuals affected with HCN1-related conditions. ClinVar contains an entry for this variant (Variation ID: 2970316). Invitae Evidence Modeling of protein sequence and biophysical properties (such as structural, functional, and spatial information, amino acid conservation, physicochemical variation, residue mobility, and thermodynamic stability) indicates that this missense variant is not expected to disrupt HCN1 protein function with a negative predictive value of 95%. In summary, the available evidence is currently insufficient to determine the role of this variant in disease. Therefore, it has been classified as a Variant of Uncertain Significance.

NM_021072.4(HCN1):c.2050A>C (p.Ser684Arg)

Gene: HCN1 (hyperpolarization activated cyclic nucleotide gated potassium channel 1; minus strand). Cytogenetic location: 5p12.
Variant type: single nucleotide variant.
Coding change: c.2050A>C on transcript NM_021072.4 (MANE Select); coding-DNA position 2050, A replaced by C.
Protein change: p.Ser684Arg; replaces serine 684 with arginine.
Molecular consequence: missense variant.
Genome position (GRCh38, 1-based): chr5:45,262,544, T>G on the plus strand (A>C on the coding strand, the complement: HCN1 is on the minus strand). VCF-style: chr5-45262544-T-G. GRCh37 (hg19) VCF-style: chr5-45262646-T-G.
Other names: short protein forms S684R.
Identifiers: ClinVar variation 2970316 (VCV002970316.3), dbSNP rs1373506537, ClinGen allele CA359704157.